The following is an entry in ClinVar:

NM_006876.3(B4GAT1):c.506A>T (p.Asp169Val)

Gene: B4GAT1 (beta-1,4-glucuronyltransferase 1; minus strand). Cytogenetic location: 11q13.2.
Variant type: single nucleotide variant.
Coding change: c.506A>T on transcript NM_006876.3 (MANE Select); coding-DNA position 506, A replaced by T.
Protein change: p.Asp169Val; replaces aspartic acid 169 with valine.
Molecular consequence: missense variant.
Genome position (GRCh38, 1-based): chr11:66,347,040, T>A on the plus strand (A>T on the coding strand, the complement: B4GAT1 is on the minus strand). VCF-style: chr11-66347040-T-A. GRCh37 (hg19) VCF-style: chr11-66114511-T-A.
Other names: short protein forms D169V.
Identifiers: ClinVar variation 1407695 (VCV001407695.6), dbSNP rs1855229583, ClinGen allele CA381418244.
Genomic context (GRCh38, chr11:66,347,040, plus strand): 5'-AGCTTGTCAAAGACCTCCTGGCAGGACCGCAGCAGGGCAAACTCCCCCGGCTCCCGGGGG[T>A]CGGGCACGGCTGCCTCGTAACGCGAGGGGCACACGAGGTGCATGGCGACCCTGGCGCGCA-3'
Protein context (NP_006867.1, residues 159-179): CPSRYEAAVP[Asp169Val]PREPGEFALL

ClinVar aggregate classification (germline): Uncertain significance (1 of 4 stars; one submission).

Conditions:
Muscular dystrophy-dystroglycanopathy (congenital with brain and eye anomalies), type A13. Also called: WALKER-WARBURG SYNDROME OR MUSCLE-EYE-BRAIN DISEASE, B3GNT1-RELATED; Muscular dystrophy-dystroglycanopathy (congenital with brain and eye anomalies), type a, 13. Identifiers: Orphanet 899, MedGen C3809042, MONDO:0014120, OMIM 615287.

Allele frequency attached by ClinVar (database versions not stated): TOPMed 0.00001.

Submission:

Labcorp Genetics (formerly Invitae), Labcorp
Classification: Uncertain significance for Muscular dystrophy-dystroglycanopathy (congenital with brain and eye anomalies), type A13. Last evaluated: 2022-11-15. Review status: criteria provided, single submitter. Criteria: Invitae Variant Classification Sherloc (09022015). Collection method: clinical testing. Allele origin: germline.
Comment: This variant has not been reported in the literature in individuals affected with B4GAT1-related conditions. This variant is not present in population databases (gnomAD no frequency). This sequence change replaces aspartic acid, which is acidic and polar, with valine, which is neutral and non-polar, at codon 169 of the B4GAT1 protein (p.Asp169Val). In summary, the available evidence is currently insufficient to determine the role of this variant in disease. Therefore, it has been classified as a Variant of Uncertain Significance. Algorithms developed to predict the effect of missense changes on protein structure and function are either unavailable or do not agree on the potential impact of this missense change (SIFT: "Deleterious"; PolyPhen-2: "Benign"; Align-GVGD: "Class C15"). ClinVar contains an entry for this variant (Variation ID: 1407695).